The following is an entry in ClinVar:

NM_194293.4(XIRP1):c.2423C>T (p.Ser808Leu)

Gene: XIRP1 (xin actin binding repeat containing 1; minus strand). Cytogenetic location: 3p22.2.
Variant type: single nucleotide variant.
Coding change: c.2423C>T on transcript NM_194293.4 (MANE Select); coding-DNA position 2423, C replaced by T.
Protein change: p.Ser808Leu; replaces serine 808 with leucine.
Molecular consequence: missense variant. On other transcripts: intron variant (1).
Genome position (GRCh38, 1-based): chr3:39,187,023, G>A on the plus strand (C>T on the coding strand, the complement: XIRP1 is on the minus strand). VCF-style: chr3-39187023-G-A. GRCh37 (hg19) VCF-style: chr3-39228514-G-A.
Other names: c.2423C>T, p.Ser808Leu (NM_001198621.4); c.-167-1362C>T (NM_001351377.2); short protein forms S808L.
Identifiers: ClinVar variation 775860 (VCV000775860.7), dbSNP rs61736154, ClinGen allele CA2326267.

ClinVar aggregate classification (germline): Benign. Review status: criteria provided, multiple submitters, no conflicts (2 of 4 stars). 3 submissions from 3 submitters: Benign (2). 1 of the submissions does not count toward it. Last evaluated 2019-12-31.

Conditions:
XIRP1-related disorder. Also called: XIRP1-related condition.

Allele frequency attached by ClinVar (database versions not stated): gnomAD exomes 0.00234 and 0.00599; ExAC 0.00728; gnomAD 0.01980 and 0.02126; 1000 Genomes Project 0.02057; 1000 Genomes Project 30x 0.02186; TOPMed 0.02394; ESP Exome Variant Server 0.02453.

Submissions (3):

Labcorp Genetics (formerly Invitae), Labcorp
Classification: Benign. Last evaluated: 2019-12-31. Review status: criteria provided, single submitter. Criteria: Invitae Variant Classification Sherloc (09022015). Collection method: clinical testing. Allele origin: germline.

Breakthrough Genomics
Classification: Benign. Review status: criteria provided, single submitter. Criteria: ACMG Guidelines, 2015. Collection method: not provided. Allele origin: germline. Inheritance: Unknown mechanism. Affected: yes.

PreventionGenetics, part of Exact Sciences
Classification: Benign for XIRP1-related condition. Last evaluated: 2019-12-05. Review status: no assertion criteria provided. Collection method: clinical testing. Allele origin: germline. Not counted in ClinVar's aggregate classification.
Comment: This variant is classified as benign based on ACMG/AMP sequence variant interpretation guidelines (Richards et al. 2015 PMID: 25741868, with internal and published modifications).